The following is an entry in ClinVar:

NM_014727.3(KMT2B):c.521dup (p.Thr176fs)

Gene: KMT2B (lysine methyltransferase 2B; plus strand). Cytogenetic location: 19q13.12.
Variant type: Duplication.
Coding change: c.521dup on transcript NM_014727.3 (MANE Select); coding-DNA position 521, one base duplicated (C; older notation c.521dupC).
Protein change: p.Thr176fs; shifts the reading frame from threonine 176.
Molecular consequence: frameshift variant.
Genome position (GRCh38, 1-based): chr19:35,719,868, C duplicated; the last of 7 consecutive C bases (chr19:35,719,862-35,719,868); duplicating any one gives the same sequence. VCF-style (leftmost placement, unchanged base first): chr19-35719861-A-AC. GRCh37 (hg19) VCF-style: chr19-36210763-A-AC.
Other names: short protein forms T176fs.
Identifiers: ClinVar variation 488539 (VCV000488539.45), dbSNP rs763183959, ClinGen allele CA9384043.

ClinVar aggregate classification (germline): Pathogenic. Review status: criteria provided, multiple submitters, no conflicts (2 of 4 stars). 5 submissions from 5 submitters: Pathogenic (5). Last evaluated 2024-09-11.

Conditions:
Dystonia 28, childhood-onset (DYT28). Also called: KMT2B-Related Dystonia (DYT-KMT2B). Identifiers: Orphanet 589618, MedGen C4310633, MONDO:0015004, OMIM 617284.
KMT2B-related disorder. Also called: KMT2B-related disorders; KMT2B-related condition. Identifiers: MedGen CN381338.

Submissions (5):

GeneDx
Classification: Pathogenic. Last evaluated: 2024-09-11. Review status: criteria provided, single submitter. Criteria: GeneDx Variant Classification Process June 2021. Collection method: clinical testing. Allele origin: germline. Affected: yes.
Comment: Frameshift variant predicted to result in protein truncation or nonsense mediated decay in a gene for which loss of function is a known mechanism of disease; This variant is associated with the following publications: (PMID: 32241076, 33619735, 29913530, 33098801, 35872528)

Labcorp Genetics (formerly Invitae), Labcorp
Classification: Pathogenic. Last evaluated: 2024-03-25. Review status: criteria provided, single submitter. Criteria: Invitae Variant Classification Sherloc (09022015). Collection method: clinical testing. Allele origin: germline.
Comment: This sequence change creates a premature translational stop signal (p.Thr176Aspfs*8) in the KMT2B gene. It is expected to result in an absent or disrupted protein product. Loss-of-function variants in KMT2B are known to be pathogenic (PMID: 27839873, 27992417). The frequency data for this variant in the population databases is considered unreliable, as metrics indicate poor data quality at this position in the gnomAD database. This premature translational stop signal has been observed in individual(s) with dystonia and KMT2B-related conditions (PMID: 33098801, 33619735). ClinVar contains an entry for this variant (Variation ID: 488539). For these reasons, this variant has been classified as Pathogenic.

Blueprint Genetics
Classification: Pathogenic for KMT2B-related disorders. Last evaluated: 2021-09-16. Review status: criteria provided, single submitter. Criteria: ACMG Guidelines, 2015. Collection method: clinical testing. Allele origin: de novo. Affected: yes. Observed: 1 variant allele.

CeGaT Center for Human Genetics Tuebingen
Classification: Pathogenic. Last evaluated: 2021-03-01. Review status: criteria provided, single submitter. Criteria: CeGaT Center For Human Genetics Tuebingen Variant Classification Criteria Version 2. Collection method: clinical testing. Allele origin: germline. Affected: yes. Observed: 1 variant allele.

Institute of Human Genetics Munich, TUM University Hospital
Classification: Pathogenic for Dystonia 28, childhood-onset. Last evaluated: 2017-11-03. Review status: criteria provided, single submitter. Criteria: Classification criteria August 2017. Collection method: clinical testing. Allele origin: de novo. Inheritance: Autosomal dominant inheritance. Affected: yes. Observed: 1 heterozygote.

Literature cited by the submitters: PubMed 27839873 (cited by Labcorp Genetics (formerly Invitae), Labcorp); PubMed 27992417 (cited by Labcorp Genetics (formerly Invitae), Labcorp); PubMed 33098801 (cited by Labcorp Genetics (formerly Invitae), Labcorp); PubMed 33619735 (cited by Labcorp Genetics (formerly Invitae), Labcorp).